The following is an entry in ClinVar:

ClinVar aggregate classification (germline): Likely pathogenic (1 of 4 stars; one submission).

Conditions:
Cataract 36. Identifiers: MedGen C3151304, MONDO:0013484, OMIM 613887.

Submission:

First Genomix Gene Laboratory, Genetic Diagnostics Department
Classification: Likely pathogenic for Cataract 36. Last evaluated: 2025-09-02. Review status: criteria provided, single submitter. Criteria: ACMG Guidelines, 2015. Collection method: clinical testing. Allele origin: germline. Inheritance: Autosomal recessive inheritance. Affected: no. Observed: 1 variant allele.

NM_014290.3(TDRD7):c.993del (p.Cys333fs)

Gene: TDRD7 (tudor domain containing 7; plus strand). Cytogenetic location: 9q22.33.
Variant type: Deletion.
Coding change: c.993del on transcript NM_014290.3 (MANE Select); coding-DNA position 993, one base deleted (A; older notation c.993delA).
Protein change: p.Cys333fs; shifts the reading frame from cysteine 333.
Molecular consequence: frameshift variant.
Genome position (GRCh38, 1-based): chr9:97,460,315, A deleted; the last of 3 consecutive A bases (chr9:97,460,313-97,460,315); deleting any one gives the same sequence. VCF-style (leftmost placement, unchanged base first): chr9-97460312-GA-G. GRCh37 (hg19) VCF-style: chr9-100222594-GA-G.
Other names: c.993delA (NM_014290.3); c.771del, p.Cys259fs (NM_001302884.2); short protein forms C259fs, C333fs.
Identifiers: ClinVar variation 4850258 (VCV004850258.1).